The following is an entry in ClinVar:

NM_004304.5(ALK):c.4583A>T (p.His1528Leu)

Gene: ALK (ALK receptor tyrosine kinase; minus strand). Cytogenetic location: 2p23.2.
Variant type: single nucleotide variant.
Coding change: c.4583A>T on transcript NM_004304.5 (MANE Select); coding-DNA position 4583, A replaced by T.
Protein change: p.His1528Leu; replaces histidine 1528 with leucine.
Molecular consequence: missense variant.
Genome position (GRCh38, 1-based): chr2:29,193,504, T>A on the plus strand (A>T on the coding strand, the complement: ALK is on the minus strand). VCF-style: chr2-29193504-T-A. GRCh37 (hg19) VCF-style: chr2-29416370-T-A.
Other names: c.1379A>T, p.His460Leu (NM_001353765.2); short protein forms H1528L, H460L.
Identifiers: ClinVar variation 1741655 (VCV001741655.2), dbSNP rs2465873413, ClinGen allele CA346460681.
Genomic context (GRCh38, chr2:29,193,504, plus strand): 5'-CCAGTTGCAACGTTAGGTGGGACAGTACAGCTTCCCTCCAGCCCCAGGTTACCCCTGTCG[T>A]GTGGCTCCTTCTTTGCTATAGGATTATTCTTTTTGGTGGGTTTCTCTGTAAACCAGGAGC-3'
Protein context (NP_004295.2, residues 1518-1538): KNNPIAKKEP[His1528Leu]DRGNLGLEGS

ClinVar aggregate classification (germline): Uncertain significance (1 of 4 stars; one submission).

Conditions:
Hereditary cancer-predisposing syndrome. Also called: Hereditary Cancer Syndrome; Hereditary neoplastic syndrome; Neoplastic Syndromes, Hereditary; Tumor predisposition. Identifiers: Orphanet 140162, MedGen C0027672, MeSH D009386, MONDO:0015356.

Submission:

Ambry Genetics
Classification: Uncertain significance for Hereditary cancer-predisposing syndrome. Last evaluated: 2022-09-25. Review status: criteria provided, single submitter. Criteria: Ambry Variant Classification Scheme 2023. Collection method: clinical testing. Allele origin: germline.
Comment: The p.H1528L variant (also known as c.4583A>T), located in coding exon 29 of the ALK gene, results from an A to T substitution at nucleotide position 4583. The histidine at codon 1528 is replaced by leucine, an amino acid with similar properties. This amino acid position is conserved. In addition, this alteration is predicted to be tolerated by in silico analysis. Since supporting evidence is limited at this time, the clinical significance of this alteration remains unclear.